The following is an entry in ClinVar:

NM_015072.5(TTLL5):c.3505del (p.Ser1169fs)

Gene: TTLL5 (tubulin tyrosine ligase like 5; plus strand). Cytogenetic location: 14q24.3.
Variant type: Deletion.
Coding change: c.3505del on transcript NM_015072.5 (MANE Select); coding-DNA position 3505, one base deleted (A; older notation c.3505delA).
Protein change: p.Ser1169fs; shifts the reading frame from serine 1169.
Molecular consequence: frameshift variant.
Genome position (GRCh38, 1-based): chr14:75,863,845, A deleted. VCF-style (leftmost placement, unchanged base first): chr14-75863844-GA-G. GRCh37 (hg19) VCF-style: chr14-76330187-GA-G.
Other names: short protein forms S1169fs.
Identifiers: ClinVar variation 4852644 (VCV004852644.2).

ClinVar aggregate classification (germline): Likely pathogenic (1 of 4 stars; one submission).

Submission:

Dasa
Classification: Likely pathogenic. Last evaluated: 2025-05-30. Review status: criteria provided, single submitter. Criteria: DASA Assertion Criteria. Collection method: clinical testing. Allele origin: germline.
Comment: NM_015072.5(TTLL5):c.3505del (p.Ser1169Valfs*22) is a frameshift variant in TTLL5 predicted to alter the reading frame and introduce a premature termination codon and is predicted to result in an absent or altered protein product. Loss of function is an established disease mechanism for TTLL5-associated disorders. Also, this variant is absent from population databases. Based on the currently available evidence, this variant is classified as likely pathogenic.